The following is an entry in ClinVar:

ClinVar aggregate classification (germline): Uncertain significance (1 of 4 stars; one submission).

Conditions:
Hypogonadotropic hypogonadism 2 with or without anosmia (HH2). Also called: FGFR1-Related GnRH Deficiency (Kallmann Syndrome 2); HYPOGONADOTROPIC HYPOGONADISM 2 WITHOUT ANOSMIA; HYPOGONADOTROPIC HYPOGONADISM 2 WITH OR WITHOUT ANOSMIA, SUSCEPTIBILITY TO; HYPOGONADOTROPIC HYPOGONADISM 2 WITHOUT ANOSMIA, SUSCEPTIBILITY TO. Identifiers: Orphanet 478, MedGen C1563720, MONDO:0007844, OMIM 147950. Disease mechanism: loss of function.
Pfeiffer syndrome (ACS5). Also called: ACS V. Identifiers: Orphanet 710, MedGen C0220658, MONDO:0007043, OMIM 101600.

Submission:

Labcorp Genetics (formerly Invitae), Labcorp
Classification: Uncertain significance for Pfeiffer syndrome; Hypogonadotropic hypogonadism 2 with or without anosmia. Last evaluated: 2025-01-23. Review status: criteria provided, single submitter. Criteria: Invitae Variant Classification Sherloc (09022015). Collection method: clinical testing. Allele origin: germline.
Comment: This sequence change replaces tyrosine, which is neutral and polar, with cysteine, which is neutral and slightly polar, at codon 113 of the FGFR1 protein (p.Tyr113Cys). This variant is not present in population databases (gnomAD no frequency). This variant has not been reported in the literature in individuals affected with FGFR1-related conditions. ClinVar contains an entry for this variant (Variation ID: 2937899). Invitae Evidence Modeling of protein sequence and biophysical properties (such as structural, functional, and spatial information, amino acid conservation, physicochemical variation, residue mobility, and thermodynamic stability) indicates that this missense variant is not expected to disrupt FGFR1 protein function with a negative predictive value of 80%. In summary, the available evidence is currently insufficient to determine the role of this variant in disease. Therefore, it has been classified as a Variant of Uncertain Significance.

NM_023110.3(FGFR1):c.338A>G (p.Tyr113Cys)

Gene: FGFR1 (fibroblast growth factor receptor 1; minus strand). Cytogenetic location: 8p11.23.
Variant type: single nucleotide variant.
Coding change: c.338A>G on transcript NM_023110.3 (MANE Select); coding-DNA position 338, A replaced by G.
Protein change: p.Tyr113Cys; replaces tyrosine 113 with cysteine.
Molecular consequence: missense variant. On other transcripts: intron variant (5).
Genome position (GRCh38, 1-based): chr8:38,429,702, T>C on the plus strand (A>G on the coding strand, the complement: FGFR1 is on the minus strand). VCF-style: chr8-38429702-T-C. GRCh37 (hg19) VCF-style: chr8-38287220-T-C.
Other names: c.338A>G, p.Tyr113Cys (NM_000604.2, NM_001174063.2, NM_001174065.2 and 4 more transcripts); c.314A>G, p.Tyr105Cys (NM_001174064.2); c.437A>G, p.Tyr146Cys (NM_001174067.2); c.92-1267A>G (NM_001354368.2, NM_001354370.2, NM_023106.3 and 2 more transcripts); short protein forms Y113C, Y105C, Y146C.
Identifiers: ClinVar variation 2937899 (VCV002937899.3), dbSNP rs2150955454, ClinGen allele CA370736166.